The following is an entry in ClinVar:

NM_005360.5(MAF):c.306C>A (p.Asn102Lys)

Gene: MAF (MAF bZIP transcription factor; minus strand). Cytogenetic location: 16q23.2.
Variant type: single nucleotide variant.
Coding change: c.306C>A on transcript NM_005360.5 (MANE Select); coding-DNA position 306, C replaced by A.
Protein change: p.Asn102Lys; replaces asparagine 102 with lysine.
Molecular consequence: missense variant.
Genome position (GRCh38, 1-based): chr16:79,599,597, G>T on the plus strand (C>A on the coding strand, the complement: MAF is on the minus strand). VCF-style: chr16-79599597-G-T. GRCh37 (hg19) VCF-style: chr16-79633494-G-T.
Other names: c.306C>A, p.Asn102Lys (NM_001031804.3); short protein forms N102K.
Identifiers: ClinVar variation 3366109 (VCV003366109.1).
Genomic context (GRCh38, chr16:79,599,597, plus strand): 5'-GTGGCTGTTGCTGATGAGCGCCTCGACCGCGTCCTCGGGGCTGAAGCCCAGCGCCTCGGG[G>T]TTCAGCTGCTGCGGGTAGCCGGTCATCCAGTAGTAGTCTTCCAGGTGCGCCTTCTGCTCG-3'
Protein context (NP_005351.2, residues 92-112): YWMTGYPQQL[Asn102Lys]PEALGFSPED

ClinVar aggregate classification (germline): Uncertain significance (1 of 4 stars; one submission).

Submission:

GeneDx
Classification: Uncertain significance. Last evaluated: 2023-10-15. Review status: criteria provided, single submitter. Criteria: GeneDx Variant Classification Process June 2021. Collection method: clinical testing. Allele origin: germline. Affected: yes.
Comment: Not observed at significant frequency in large population cohorts (gnomAD); In silico analysis supports that this missense variant has a deleterious effect on protein structure/function; Has not been previously published as pathogenic or benign to our knowledge